The following is an entry in ClinVar:

NM_003873.7(NRP1):c.2267T>C (p.Ile756Thr)

Gene: NRP1 (neuropilin 1; minus strand). Cytogenetic location: 10p11.22.
Variant type: single nucleotide variant.
Coding change: c.2267T>C on transcript NM_003873.7 (MANE Select); coding-DNA position 2267, T replaced by C.
Protein change: p.Ile756Thr; replaces isoleucine 756 with threonine.
Molecular consequence: missense variant. On other transcripts: non-coding transcript variant (1).
Genome position (GRCh38, 1-based): chr10:33,186,284, A>G on the plus strand (T>C on the coding strand, the complement: NRP1 is on the minus strand). VCF-style: chr10-33186284-A-G. GRCh37 (hg19) VCF-style: chr10-33475212-A-G.
Other names: c.2249T>C, p.Ile750Thr (NM_001244972.2); c.2246T>C, p.Ile749Thr (NM_001244973.2); c.2267T>C, p.Ile756Thr (NM_001330068.2); short protein forms I749T, I750T, I756T.
Identifiers: ClinVar variation 3350509 (VCV003350509.2).

ClinVar aggregate classification (germline): Uncertain significance (1 of 4 stars; one submission).

Conditions:
NRP1-related disorder. Also called: NRP1-related condition.

gnomAD v4.1: 76 of 1,613,984 alleles (0.0047%); highest among the groups gnomAD compares: South Asian, 0.0077%; no homozygotes.

Submission:

PreventionGenetics, part of Exact Sciences
Classification: Uncertain significance for NRP1-related condition. Last evaluated: 2026-09-02. Review status: criteria provided, single submitter. Criteria: ACMG Guidelines, 2015. Collection method: clinical testing. Allele origin: germline.
Comment: The NRP1 c.2267T>C variant is predicted to result in the amino acid substitution p.Ile756Thr. To our knowledge, this variant has not been reported in the literature. This variant is reported in 0.024% of alleles in individuals of European (Finnish) descent in gnomAD. At this time, the clinical significance of this variant is uncertain due to the absence of conclusive functional and genetic evidence.